The following is an entry in ClinVar:

NM_006767.4(LZTR1):c.2255A>C (p.Tyr752Ser)

Gene: LZTR1 (leucine zipper like post translational regulator 1; plus strand). Cytogenetic location: 22q11.21.
Variant type: single nucleotide variant.
Coding change: c.2255A>C on transcript NM_006767.4 (MANE Select); coding-DNA position 2255, A replaced by C.
Protein change: p.Tyr752Ser; replaces tyrosine 752 with serine.
Molecular consequence: missense variant.
Genome position (GRCh38, 1-based): chr22:20,996,731, A>C. VCF-style: chr22-20996731-A-C. GRCh37 (hg19) VCF-style: chr22-21351020-A-C.
Other names: short protein forms Y752S.
Identifiers: ClinVar variation 1788502 (VCV001788502.3), dbSNP rs763502502, ClinGen allele CA410780798.

ClinVar aggregate classification (germline): Uncertain significance. Review status: criteria provided, multiple submitters, no conflicts (2 of 4 stars). 2 submissions from 2 submitters: Uncertain significance (2). Last evaluated 2025-06-17.

Conditions:
Hereditary cancer-predisposing syndrome. Also called: Hereditary Cancer Syndrome; Hereditary neoplastic syndrome; Tumor predisposition; Neoplastic Syndromes, Hereditary. Identifiers: Orphanet 140162, MedGen C0027672, MeSH D009386, MONDO:0015356.
Cardiovascular phenotype. Identifiers: MedGen CN230736.

Submissions (2):

Labcorp Genetics (formerly Invitae), Labcorp
Classification: Uncertain significance. Last evaluated: 2025-06-17. Review status: criteria provided, single submitter. Criteria: Invitae Variant Classification Sherloc (09022015). Collection method: clinical testing. Allele origin: germline.
Comment: This sequence change replaces tyrosine, which is neutral and polar, with serine, which is neutral and polar, at codon 752 of the LZTR1 protein (p.Tyr752Ser). This variant is not present in population databases (gnomAD no frequency). This variant has not been reported in the literature in individuals affected with LZTR1-related conditions. ClinVar contains an entry for this variant (Variation ID: 1788502). Invitae Evidence Modeling of protein sequence and biophysical properties (such as structural, functional, and spatial information, amino acid conservation, physicochemical variation, residue mobility, and thermodynamic stability) indicates that this missense variant is not expected to disrupt LZTR1 protein function with a negative predictive value of 80%. In summary, the available evidence is currently insufficient to determine the role of this variant in disease. Therefore, it has been classified as a Variant of Uncertain Significance.

Ambry Genetics
Classification: Uncertain significance for Cardiovascular phenotype; Hereditary cancer-predisposing syndrome. Last evaluated: 2021-11-12. Review status: criteria provided, single submitter. Criteria: Ambry Variant Classification Scheme 2023. Collection method: clinical testing. Allele origin: germline.
Comment: The p.Y752S variant (also known as c.2255A>C), located in coding exon 19 of the LZTR1 gene, results from an A to C substitution at nucleotide position 2255. The tyrosine at codon 752 is replaced by serine, an amino acid with dissimilar properties. This amino acid position is not well conserved in available vertebrate species. In addition, this alteration is predicted to be tolerated by in silico analysis. Since supporting evidence is limited at this time, the clinical significance of this alteration remains unclear.